The following is an entry in ClinVar:

ClinVar aggregate classification (germline): Uncertain significance (1 of 4 stars; one submission).

Submission:

Labcorp Genetics (formerly Invitae), Labcorp
Classification: Uncertain significance. Last evaluated: 2022-07-19. Review status: criteria provided, single submitter. Criteria: Invitae Variant Classification Sherloc (09022015). Collection method: clinical testing. Allele origin: germline.
Comment: In summary, the available evidence is currently insufficient to determine the role of this variant in disease. Therefore, it has been classified as a Variant of Uncertain Significance. Algorithms developed to predict the effect of missense changes on protein structure and function are either unavailable or do not agree on the potential impact of this missense change (SIFT: "Deleterious"; PolyPhen-2: "Benign"; Align-GVGD: "Class C25"). ClinVar contains an entry for this variant (Variation ID: 1405986). This variant has not been reported in the literature in individuals affected with CACNA1E-related conditions. This variant is not present in population databases (gnomAD no frequency). This sequence change replaces valine, which is neutral and non-polar, with leucine, which is neutral and non-polar, at codon 1192 of the CACNA1E protein (p.Val1192Leu).

NM_001205293.3(CACNA1E):c.3574G>C (p.Val1192Leu)

Gene: CACNA1E (calcium voltage-gated channel subunit alpha1 E; plus strand). Cytogenetic location: 1q25.3.
Variant type: single nucleotide variant.
Coding change: c.3574G>C on transcript NM_001205293.3 (MANE Select); coding-DNA position 3574, G replaced by C.
Protein change: p.Val1192Leu; replaces valine 1192 with leucine.
Molecular consequence: missense variant.
Genome position (GRCh38, 1-based): chr1:181,738,388, G>C. VCF-style: chr1-181738388-G-C. GRCh37 (hg19) VCF-style: chr1-181707524-G-C.
Other names: c.3574G>C, p.Val1192Leu (NM_000721.4); c.3517G>C, p.Val1173Leu (NM_001205294.2); short protein forms V1173L, V1192L.
Identifiers: ClinVar variation 1405986 (VCV001405986.6), dbSNP rs2102588857, ClinGen allele CA343622149.